The following is an entry in ClinVar:

NM_024675.4(PALB2):c.3114-16_3114-13del

Gene: PALB2 (partner and localizer of BRCA2; minus strand). Cytogenetic location: 16p12.2.
Variant type: Microsatellite.
Coding change: c.3114-16_3114-13del on transcript NM_024675.4 (MANE Select); 16 bases into the intron before coding-DNA position 3114 through 13 bases into the intron before coding-DNA position 3114, 4 bases deleted (ATTT; older notation c.3114-16_3114-13delATTT).
Molecular consequence: intron variant.
Genome position (GRCh38, 1-based): chr16:23,614,104-23,614,107, AAAT deleted on the plus strand (ATTT on the coding strand, the reverse complement: PALB2 is on the minus strand); deleting any 4 consecutive bases within chr16:23,614,104-23,614,113 gives the same sequence; the c. name uses the placement nearest the transcript's 3' end. VCF-style (leftmost placement, unchanged base first): chr16-23614103-AAAAT-A. GRCh37 (hg19) VCF-style: chr16-23625424-AAAAT-A.
Other names: c.2228+7255_2228+7258del (NM_001407308.1, NM_001407309.1); c.2229-16_2229-13del (NM_001407306.1, NM_001407311.1, NM_001407305.1 and 2 more transcripts); c.648-16_648-13del (NM_001407314.1); c.1326-16_1326-13del (NM_001407313.1, NM_001407312.1); c.3054-16_3054-13del (NM_001407296.1); c.3042-16_3042-13del (NM_001407297.1); c.2952-16_2952-13del (NM_001407302.1, NM_001407298.1); c.2835-16_2835-13del (NM_001407300.1); and 3 more.
Identifiers: ClinVar variation 3904507 (VCV003904507.1).

ClinVar aggregate classification (germline): Likely benign (1 of 4 stars; one submission).

Conditions:
Familial cancer of breast. Also called: Hereditary breast cancer; hereditary breast carcinoma; BREAST CANCER, FAMILIAL. Identifiers: Orphanet 227535, MedGen C0346153, MONDO:0016419, OMIM 114480. Disease mechanism: loss of function.

Submission:

Myriad Genetics, Inc.
Classification: Likely benign for Familial cancer of breast. Last evaluated: 2025-01-21. Review status: criteria provided, single submitter. Criteria: Myriad Autosomal Dominant, Autosomal Recessive and X-Linked Classification Criteria (2023). Collection method: clinical testing. Allele origin: unknown.
Comment: This variant is considered likely benign. This variant is intronic and is not expected to impact mRNA splicing.